The following is an entry in ClinVar:

NM_206933.4(USH2A):c.14010_14016del (p.Glu4671fs)

Gene: USH2A (usherin; minus strand). Cytogenetic location: 1q41.
Variant type: Deletion.
Coding change: c.14010_14016del on transcript NM_206933.4 (MANE Select); coding-DNA positions 14010 to 14016, 7 bases deleted (CGAATTA; older notation c.14010_14016delCGAATTA).
Protein change: p.Glu4671fs; shifts the reading frame from glutamic acid 4671.
Molecular consequence: frameshift variant.
Genome position (GRCh38, 1-based): chr1:215,671,089-215,671,095, TAATTCG deleted on the plus strand (CGAATTA on the coding strand, the reverse complement: USH2A is on the minus strand); deleting any 7 consecutive bases within chr1:215,671,089-215,671,099 gives the same sequence; the c. name uses the placement nearest the transcript's 3' end. VCF-style (leftmost placement, unchanged base first): chr1-215671088-ATAATTCG-A. GRCh37 (hg19) VCF-style: chr1-215844430-ATAATTCG-A.
Other names: short protein forms E4671fs.
Identifiers: ClinVar variation 1683413 (VCV001683413.3), dbSNP rs2102661317, ClinGen allele CA2573131550.

ClinVar aggregate classification (germline): Likely pathogenic. Review status: criteria provided, multiple submitters, no conflicts (2 of 4 stars). 3 submissions from 3 submitters: Likely pathogenic (3). Last evaluated 2024-12-20.

Conditions:
Usher syndrome. Also called: Usher Syndromes; Usher's syndrome. Identifiers: Orphanet 886, MedGen CN469326, MeSH D052245, MONDO:0019501. Disease mechanism: loss of function.
Retinitis pigmentosa 39 (RP39). Identifiers: Orphanet 791, MedGen C3151138, MONDO:0013436, OMIM 613809.
Usher syndrome type 2A. Also called: USHER SYNDROME, TYPE IIA; RETINAL DISEASE IN USHER SYNDROME TYPE IIA, MODIFIER OF. Identifiers: Orphanet 231178, Orphanet 886, MedGen C1848634, MONDO:0010169, OMIM 276901.

Submissions (3):

Natera, Inc.
Classification: Likely pathogenic for Usher syndrome type 2A. Last evaluated: 2024-12-20. Review status: criteria provided, single submitter. Criteria: Natera Variant Classification Schema (03/2026). Collection method: clinical testing. Allele origin: germline.
Comment: The c.14010_14016delCGAATTA variant in USH2A is a frameshift variant predicted to shift the reading frame beginning at codon 4671 and leads to a stop codon 5 codons downstream. This variant is expected to result in nonsense mediated decay, truncation, or a dysfunctional protein product. This variant is rare in the general population with a frequency below the threshold expected for the associated phenotype(s). Given the available evidence, this variant is classified as Likely Pathogenic.

Baylor Genetics
Classification: Likely pathogenic for Retinitis pigmentosa 39. Last evaluated: 2023-11-06. Review status: criteria provided, single submitter. Criteria: ACMG Guidelines, 2015. Collection method: clinical testing. Allele origin: unknown.

Women's Health and Genetics/Laboratory Corporation of America, LabCorp
Classification: Likely pathogenic for Usher syndrome. Last evaluated: 2022-04-14. Review status: criteria provided, single submitter. Criteria: LabCorp Variant Classification Summary - May 2015. Collection method: clinical testing. Allele origin: germline.
Comment: Variant summary: USH2A c.14010_14016delCGAATTA (p.Glu4671ThrfsX5) results in a premature termination codon, predicted to cause a truncation of the encoded protein or absence of the protein due to nonsense mediated decay, which are commonly known mechanisms for disease. Truncations downstream of this position have been reported in assocation with Usher syndrome (HGMD). The variant was absent in 251322 control chromosomes. To our knowledge, no occurrence of c.14010_14016delCGAATTA in individuals affected with Usher Syndrome and no experimental evidence demonstrating its impact on protein function have been reported. No clinical diagnostic laboratories have submitted clinical-significance assessments for this variant to ClinVar after 2014. Based on the evidence outlined above, the variant was classified as likely pathogenic.